The following is an entry in ClinVar:

NM_001844.5(COL2A1):c.1069-2A>T

Gene: COL2A1 (collagen type II alpha 1 chain; minus strand). Cytogenetic location: 12q13.11.
Variant type: single nucleotide variant.
Coding change: c.1069-2A>T on transcript NM_001844.5 (MANE Select); the canonical splice acceptor site of the intron before coding-DNA position 1069, A replaced by T.
Molecular consequence: splice acceptor variant.
Genome position (GRCh38, 1-based): chr12:47,989,283, T>A on the plus strand (A>T on the coding strand, the complement: COL2A1 is on the minus strand). VCF-style: chr12-47989283-T-A. GRCh37 (hg19) VCF-style: chr12-48383066-T-A.
Other names: c.862-2A>T (NM_033150.3); c.1069-2A>T (NM_001844.4).
Identifiers: ClinVar variation 3722719 (VCV003722719.3).

ClinVar aggregate classification (germline): Pathogenic/Likely pathogenic. Review status: criteria provided, multiple submitters, no conflicts (2 of 4 stars). 2 submissions from 2 submitters: Pathogenic (1); Likely pathogenic (1). Last evaluated 2024-10-11.

Conditions:
Stickler syndrome type 1 (STL1). Also called: ARTHROOPHTHALMOPATHY, HEREDITARY PROGRESSIVE; STICKLER SYNDROME, MEMBRANOUS VITREOUS TYPE; STICKLER SYNDROME, VITREOUS TYPE 1; COL2A1-Related Stickler Syndrome. Identifiers: Orphanet 828, Orphanet 90653, MedGen C2020284, MONDO:0007160, OMIM 108300.

Submissions (2):

Labcorp Genetics (formerly Invitae), Labcorp
Classification: Pathogenic. Last evaluated: 2024-10-11. Review status: criteria provided, single submitter. Criteria: Invitae Variant Classification Sherloc (09022015). Collection method: clinical testing. Allele origin: germline.
Comment: This sequence change affects an acceptor splice site in intron 17 of the COL2A1 gene. RNA analysis indicates that disruption of this splice site induces altered splicing and may result in an absent or altered protein product. This variant is not present in population databases (gnomAD no frequency). Disruption of this splice site has been observed in individual(s) with autosomal dominant Stickler syndrome (PMID: 21186996). It has also been observed to segregate with disease in related individuals. Studies have shown that disruption of this splice site results in activation of a cryptic splice site, and produces a non-functional protein and/or introduces a premature termination codon (PMID: 21186996). For these reasons, this variant has been classified as Pathogenic.

Clinical Genetics Service, Universitary Hospital 12 de Octubre
Classification: Likely pathogenic for Stickler syndrome type 1. Review status: criteria provided, single submitter. Criteria: ACMG Guidelines, 2015. Collection method: clinical testing. Allele origin: germline. Affected: yes.

Literature cited by the submitters: PubMed 21186996 (cited by Labcorp Genetics (formerly Invitae), Labcorp).